The following is an entry in ClinVar:

NM_182700.6(SP8):c.510G>T (p.Ser170=)

Gene: SP8 (Sp8 transcription factor; minus strand). Cytogenetic location: 7p21.1.
Variant type: single nucleotide variant.
Coding change: c.510G>T on transcript NM_182700.6 (MANE Select); coding-DNA position 510, G replaced by T.
Protein change: p.Ser170=; no amino-acid change (serine 170 retained).
Molecular consequence: synonymous variant.
Genome position (GRCh38, 1-based): chr7:20,785,307, C>A on the plus strand (G>T on the coding strand, the complement: SP8 is on the minus strand). VCF-style: chr7-20785307-C-A. GRCh37 (hg19) VCF-style: chr7-20824926-C-A.
Other names: c.456G>T, p.Ser152= (NM_198956.4).
Identifiers: ClinVar variation 3033321 (VCV003033321.2), dbSNP rs763964198, ClinGen allele CA4177925.
Genomic context (GRCh38, chr7:20,785,307, plus strand): 5'-CAGCCCGTCCACAGAGGTGTGCACCTTGGAGATGAACACCGGCTGGTGGGAGCCGTCCTG[C>A]GAGTGCGCGGAGGAGCCGCCGCCGCCGCCCCCGCCGCCGCCGCCGCTGCCCCCGGAAACT-3'
Protein context (NP_874359.2, residues 160-180): GGGGGGSSAH[Ser170=]QDGSHQPVFI

ClinVar aggregate classification (germline): Benign (0 of 4 stars; one submission).

Conditions:
SP8-related disorder. Also called: SP8-related condition.

Allele frequency attached by ClinVar (database versions not stated): TOPMed 0.00064; 1000 Genomes Project 30x 0.00141; gnomAD 0.00251; ExAC 0.00274.

Submission:

PreventionGenetics, part of Exact Sciences
Classification: Benign for SP8-related condition. Last evaluated: 2019-02-23. Review status: no assertion criteria provided. Collection method: clinical testing. Allele origin: germline.
Comment: This variant is classified as benign based on ACMG/AMP sequence variant interpretation guidelines (Richards et al. 2015 PMID: 25741868, with internal and published modifications).